The following is an entry in ClinVar:

NM_006269.2(RP1):c.5270C>T (p.Ser1757Leu)

Genes: RP1 (RP1 axonemal microtubule associated; plus strand), LOC126860392 (CDK7 strongly-dependent group 2 enhancer GRCh37_chr8:55541319-55542518; plus strand). Cytogenetic location: 8q12.1.
Variant type: single nucleotide variant.
Coding change: c.5270C>T on transcript NM_006269.2 (MANE Select); coding-DNA position 5270, C replaced by T.
Protein change: p.Ser1757Leu; replaces serine 1757 with leucine.
Molecular consequence: missense variant. On other transcripts: intron variant (1).
Genome position (GRCh38, 1-based): chr8:54,629,152, C>T. VCF-style: chr8-54629152-C-T. GRCh37 (hg19) VCF-style: chr8-55541712-C-T.
Other names: c.787+6864C>T (NM_001375654.1); short protein forms S1757L.
Identifiers: ClinVar variation 2818090 (VCV002818090.3), dbSNP rs2536588478, ClinGen allele CA370985407.

ClinVar aggregate classification (germline): Uncertain significance (1 of 4 stars; one submission).

gnomAD v4.1: 1 of 1,614,062 alleles (0.000062%); highest among the groups gnomAD compares: South Asian, 0.0011%; no homozygotes.

Submission:

Labcorp Genetics (formerly Invitae), Labcorp
Classification: Uncertain significance. Last evaluated: 2023-03-08. Review status: criteria provided, single submitter. Criteria: Invitae Variant Classification Sherloc (09022015). Collection method: clinical testing. Allele origin: germline.
Comment: This sequence change replaces serine, which is neutral and polar, with leucine, which is neutral and non-polar, at codon 1757 of the RP1 protein (p.Ser1757Leu). This variant is not present in population databases (gnomAD no frequency). This variant has not been reported in the literature in individuals affected with RP1-related conditions. An algorithm developed to predict the effect of missense changes on protein structure and function (PolyPhen-2) suggests that this variant is likely to be disruptive. In summary, the available evidence is currently insufficient to determine the role of this variant in disease. Therefore, it has been classified as a Variant of Uncertain Significance.